The following is an entry in ClinVar:

ClinVar aggregate classification (germline): Uncertain significance (1 of 4 stars; one submission).

Conditions:
Cardiovascular phenotype. Identifiers: MedGen CN230736.

Submission:

Ambry Genetics
Classification: Uncertain significance for Cardiovascular phenotype. Last evaluated: 2021-07-08. Review status: criteria provided, single submitter. Criteria: Ambry Variant Classification Scheme 2023. Collection method: clinical testing. Allele origin: germline.
Comment: The p.D1592N variant (also known as c.4774G>A), located in coding exon 28 of the FLNC gene, results from a G to A substitution at nucleotide position 4774. The aspartic acid at codon 1592 is replaced by asparagine, an amino acid with highly similar properties. This amino acid position is conserved. In addition, the in silico prediction for this alteration is inconclusive. Since supporting evidence is limited at this time, the clinical significance of this alteration remains unclear.

NM_001458.5(FLNC):c.4774G>A (p.Asp1592Asn)

Gene: FLNC (filamin C; plus strand). Cytogenetic location: 7q32.1.
Variant type: single nucleotide variant.
Coding change: c.4774G>A on transcript NM_001458.5 (MANE Select); coding-DNA position 4774, G replaced by A.
Protein change: p.Asp1592Asn; replaces aspartic acid 1592 with asparagine.
Molecular consequence: missense variant.
Genome position (GRCh38, 1-based): chr7:128,848,829, G>A. VCF-style: chr7-128848829-G-A. GRCh37 (hg19) VCF-style: chr7-128488883-G-A.
Other names: c.4774G>A, p.Asp1592Asn (NM_001127487.2); short protein forms D1592N.
Identifiers: ClinVar variation 1742991 (VCV001742991.2), dbSNP rs2536648726, ClinGen allele CA369203007.